The following is an entry in ClinVar:

NM_001710.6(CFB):c.898-2A>C

Gene: CFB (complement factor B; plus strand). Cytogenetic location: 6p21.33.
Variant type: single nucleotide variant.
Coding change: c.898-2A>C on transcript NM_001710.6 (MANE Select); the canonical splice acceptor site of the intron before coding-DNA position 898, A replaced by C.
Molecular consequence: splice acceptor variant.
Genome position (GRCh38, 1-based): chr6:31,948,372, A>C. VCF-style: chr6-31948372-A-C. GRCh37 (hg19) VCF-style: chr6-31916149-A-C.
Identifiers: ClinVar variation 3066149 (VCV003066149.1), dbSNP rs2482687881, ClinGen allele CA363397839.

ClinVar aggregate classification (germline): Likely pathogenic (1 of 4 stars; one submission).

Conditions:
Complement factor b deficiency. Identifiers: MedGen C3809950, MONDO:0014255, OMIM 615561.

Allele frequency attached by ClinVar (database versions not stated): gnomAD exomes 0.00001.
gnomAD v4.1: 11 of 1,614,234 alleles (0.00068%); highest among the groups gnomAD compares: Non-Finnish European, 0.00093%; no homozygotes.

Submission:

MVZ Medizinische Genetik Mainz
Classification: Likely pathogenic for Complement factor b deficiency. Last evaluated: 2022-03-23. Review status: criteria provided, single submitter. Criteria: UK Practice Guidelines For Variant Classification V4 01 2020. Collection method: clinical testing. Allele origin: germline. Inheritance: Autosomal recessive inheritance. Affected: yes. Observed: 1 variant allele.
Comment: ACMG Criteria: PVS1, PM2_SUP